The following is an entry in ClinVar:

ClinVar aggregate classification (germline): Benign. Review status: criteria provided, single submitter (1 of 4 stars). 2 submissions from 2 submitters: Benign (1). 1 of the submissions does not count toward it. Last evaluated 2024-07-01.

Conditions:
UBTF-related disorder. Also called: UBTF-related condition.

Allele frequency attached by ClinVar (database versions not stated): 1000 Genomes Project 0.00619; 1000 Genomes Project 30x 0.00656; TOPMed 0.00961; ESP Exome Variant Server 0.00969; gnomAD 0.00986; ExAC 0.00991; gnomAD exomes 0.01413.
gnomAD v4.1: 22,194 of 1,614,242 alleles (1.4%); highest among the groups gnomAD compares: Non-Finnish European, 1.6%; 185 homozygotes.

Submissions (2):

CeGaT Center for Human Genetics Tuebingen
Classification: Benign. Last evaluated: 2024-07-01. Review status: criteria provided, single submitter. Criteria: CeGaT Center For Human Genetics Tuebingen Variant Classification Criteria Version 2. Collection method: clinical testing. Allele origin: germline. Affected: yes. Observed: 9 variant alleles.
Comment: UBTF: BP4, BP7, BS1, BS2

PreventionGenetics, part of Exact Sciences
Classification: Benign for UBTF-related condition. Last evaluated: 2019-08-02. Review status: no assertion criteria provided. Collection method: clinical testing. Allele origin: germline. Not counted in ClinVar's aggregate classification.
Comment: This variant is classified as benign based on ACMG/AMP sequence variant interpretation guidelines (Richards et al. 2015 PMID: 25741868, with internal and published modifications).

NM_014233.4(UBTF):c.1501C>T (p.Leu501=)

Genes: ATXN7L3-AS1 (ATXN7L3 antisense RNA 1; plus strand), UBTF (upstream binding transcription factor; minus strand). Cytogenetic location: 17q21.31.
Variant type: single nucleotide variant.
Coding change: c.1501C>T on transcript NM_014233.4 (MANE Select); coding-DNA position 1501, C replaced by T.
Protein change: p.Leu501=; no amino-acid change (leucine 501 retained).
Molecular consequence: synonymous variant. On other transcripts: non-coding transcript variant (1).
Genome position (GRCh38, 1-based): chr17:44,210,332, G>A on the plus strand (C>T on the coding strand, the complement: UBTF is on the minus strand). VCF-style: chr17-44210332-G-A. GRCh37 (hg19) VCF-style: chr17-42287700-G-A.
Other names: c.1501C>T (NM_014233.3); c.1390C>T, p.Leu464= (NM_001076683.2, NM_001076684.3).
Identifiers: ClinVar variation 2647824 (VCV002647824.25), dbSNP rs34485877, ClinGen allele CA8599469.